The following is an entry in ClinVar:

NM_000484.4(APP):c.2212-10T>C

Gene: APP (amyloid beta precursor protein; minus strand). Cytogenetic location: 21q21.3.
Variant type: single nucleotide variant.
Coding change: c.2212-10T>C on transcript NM_000484.4 (MANE Select); 10 bases into the intron before coding-DNA position 2212, T replaced by C.
Molecular consequence: intron variant.
Genome position (GRCh38, 1-based): chr21:25,881,781, A>G on the plus strand (T>C on the coding strand, the complement: APP is on the minus strand). VCF-style: chr21-25881781-A-G. GRCh37 (hg19) VCF-style: chr21-27254092-A-G.
Other names: p.?; c.1882-10T>C (NM_001136131.3); c.1819-10T>C (NM_001136129.3); c.2044-10T>C (NM_001136130.3, NM_001385253.1); c.1933-10T>C (NM_001204303.2); c.1987-10T>C (NM_201414.3); c.2101-10T>C (NM_001204302.2); c.2155-10T>C (NM_201413.3); and 2 more.
Identifiers: ClinVar variation 339627 (VCV000339627.16), dbSNP rs45513597, ClinGen allele CA9987026.

ClinVar aggregate classification (germline): Benign. Review status: criteria provided, multiple submitters, no conflicts (2 of 4 stars). 3 submissions from 3 submitters: Benign (3). Last evaluated 2025-12-03.

Conditions:
Alzheimer disease. Also called: Presenile and senile dementia; Alzheimer's disease. Identifiers: Orphanet 1020, MedGen C0002395, MeSH D000544, MONDO:0004975, HP:0002511.

Allele frequency attached by ClinVar (database versions not stated): gnomAD 0.00137 and 0.00081; ExAC 0.00271; 1000 Genomes Project 0.00619; TOPMed 0.00128.
gnomAD v4.1: 2,382 of 1,609,616 alleles (0.15%); highest among the groups gnomAD compares: East Asian, 4.7%; 60 homozygotes.

Submissions (3):

Labcorp Genetics (formerly Invitae), Labcorp
Classification: Benign for Alzheimer disease. Last evaluated: 2025-12-03. Review status: criteria provided, single submitter. Criteria: Invitae Variant Classification Sherloc (09022015). Collection method: clinical testing. Allele origin: germline.

Mayo Clinic Laboratories, Mayo Clinic
Classification: Benign. Last evaluated: 2023-11-01. Review status: criteria provided, single submitter. Criteria: ACMG Guidelines, 2015. Collection method: clinical testing. Allele origin: germline. Observed: 6 variant alleles.
Comment: BS1, BS2, BP4, BP7

Illumina Laboratory Services, Illumina
Classification: Benign for Alzheimer disease type 1. Last evaluated: 2018-01-12. Review status: criteria provided, single submitter. Criteria: ICSL Variant Classification Criteria 13 December 2019. Collection method: clinical testing. Allele origin: germline.
Comment: This variant was observed in the ICSL laboratory as part of a predisposition screen in an ostensibly healthy population. It had not been previously curated by ICSL or reported in the Human Gene Mutation Database (HGMD: prior to June 1st, 2018), and was therefore a candidate for classification through an automated scoring system. Utilizing variant allele frequency, disease prevalence and penetrance estimates, and inheritance mode, an automated score was calculated to assess if this variant is too frequent to cause the disease. Based on the score and internal cut-off values, a variant classified as benign is not then subjected to further curation. The score for this variant resulted in a classification of benign for this disease.